The following is an entry in ClinVar:

NM_080916.3(DGUOK):c.707+310T>C

Gene: DGUOK (deoxyguanosine kinase; plus strand). Cytogenetic location: 2p13.1.
Variant type: single nucleotide variant.
Coding change: c.707+310T>C on transcript NM_080916.3 (MANE Select); 310 bases into the intron after coding-DNA position 707, T replaced by C.
Molecular consequence: intron variant.
Genome position (GRCh38, 1-based): chr2:73,957,550, T>C. VCF-style: chr2-73957550-T-C. GRCh37 (hg19) VCF-style: chr2-74184677-T-C.
Other names: c.416+310T>C (NM_001318861.2, NM_001318860.2); c.398+310T>C (NM_001318862.2, NM_001318863.2); c.444-596T>C (NM_080918.3); c.426-596T>C (NM_001318859.2).
Identifiers: ClinVar variation 669484 (VCV000669484.1), dbSNP rs4077241, ClinGen allele CA11217990.

ClinVar aggregate classification (germline): Benign (1 of 4 stars; one submission).

Allele frequency attached by ClinVar (database versions not stated): 1000 Genomes Project 0.09145; gnomAD 0.09148 and 0.09444; 1000 Genomes Project 30x 0.09510; TOPMed 0.09821.
gnomAD v4.1: 13,952 of 152,128 alleles (9.2%); highest among the groups gnomAD compares: African/African-American, 19%; 913 homozygotes.

Submission:

GeneDx
Classification: Benign. Last evaluated: 2018-06-14. Review status: criteria provided, single submitter. Criteria: GeneDx Variant Classification (06012015). Collection method: clinical testing. Allele origin: germline. Affected: yes.
Comment: This variant is considered likely benign or benign based on one or more of the following criteria: it is a conservative change, it occurs at a poorly conserved position in the protein, it is predicted to be benign by multiple in silico algorithms, and/or has population frequency not consistent with disease.